The following is an entry in ClinVar:

NM_018127.7(ELAC2):c.1490G>A (p.Arg497Gln)

Gene: ELAC2 (elaC ribonuclease Z 2; minus strand). Cytogenetic location: 17p12.
Variant type: single nucleotide variant.
Coding change: c.1490G>A on transcript NM_018127.7 (MANE Select); coding-DNA position 1490, G replaced by A.
Protein change: p.Arg497Gln; replaces arginine 497 with glutamine.
Molecular consequence: missense variant.
Genome position (GRCh38, 1-based): chr17:12,998,442, C>T on the plus strand (G>A on the coding strand, the complement: ELAC2 is on the minus strand). VCF-style: chr17-12998442-C-T. GRCh37 (hg19) VCF-style: chr17-12901759-C-T.
Other names: c.1370G>A, p.Arg457Gln (NM_001165962.2); c.1487G>A, p.Arg496Gln (NM_173717.2); short protein forms R497Q, R457Q, R496Q.
Identifiers: ClinVar variation 652777 (VCV000652777.4), dbSNP rs531523727, ClinGen allele CA8401184.

ClinVar aggregate classification (germline): Uncertain significance (1 of 4 stars; one submission).

Conditions:
Combined oxidative phosphorylation defect type 17. Also called: Combined oxidative phosphorylation deficiency 17. Identifiers: Orphanet 369913, MedGen C3809526, MONDO:0014190, OMIM 615440.

Allele frequency attached by ClinVar (database versions not stated): ExAC 0.00001; gnomAD 0.00001 and 0.00002; gnomAD exomes 0.00001 and 0.00002; TOPMed 0.00002; 1000 Genomes Project 30x 0.00016; 1000 Genomes Project 0.00020.

Submission:

Labcorp Genetics (formerly Invitae), Labcorp
Classification: Uncertain significance for Combined oxidative phosphorylation defect type 17. Last evaluated: 2021-06-01. Review status: criteria provided, single submitter. Criteria: Invitae Variant Classification Sherloc (09022015). Collection method: clinical testing. Allele origin: germline.
Comment: In summary, the available evidence is currently insufficient to determine the role of this variant in disease. Therefore, it has been classified as a Variant of Uncertain Significance. Algorithms developed to predict the effect of missense changes on protein structure and function (SIFT, PolyPhen-2, Align-GVGD) all suggest that this variant is likely to be disruptive, but these predictions have not been confirmed by published functional studies and their clinical significance is uncertain. This variant has not been reported in the literature in individuals with ELAC2-related disease. This variant is present in population databases (rs531523727, ExAC 0.01%). This sequence change replaces arginine with glutamine at codon 497 of the ELAC2 protein (p.Arg497Gln). The arginine residue is highly conserved and there is a small physicochemical difference between arginine and glutamine.